The following is an entry in ClinVar:

ClinVar aggregate classification (germline): Uncertain significance (1 of 4 stars; one submission).

Allele frequency attached by ClinVar (database versions not stated): TOPMed below 0.00001; gnomAD exomes 0.00001 and 0.00003; ExAC 0.00003.

Submission:

Labcorp Genetics (formerly Invitae), Labcorp
Classification: Uncertain significance. Last evaluated: 2024-04-23. Review status: criteria provided, single submitter. Criteria: Invitae Variant Classification Sherloc (09022015). Collection method: clinical testing. Allele origin: germline.
Comment: This sequence change creates a premature translational stop signal (p.Tyr495Leufs*5) in the SIAE gene. While this is not anticipated to result in nonsense mediated decay, it is expected to disrupt the last 29 amino acid(s) of the SIAE protein. This variant is present in population databases (rs779900085, gnomAD 0.02%). This variant has not been reported in the literature in individuals affected with SIAE-related conditions. ClinVar contains an entry for this variant (Variation ID: 1353579). Experimental studies and prediction algorithms are not available or were not evaluated, and the functional significance of this variant is currently unknown. In summary, the available evidence is currently insufficient to determine the role of this variant in disease. Therefore, it has been classified as a Variant of Uncertain Significance.

NM_170601.5(SIAE):c.1483dup (p.Tyr495fs)

Gene: SIAE (sialic acid acetylesterase; minus strand). Cytogenetic location: 11q24.2.
Variant type: Duplication.
Coding change: c.1483dup on transcript NM_170601.5 (MANE Select); coding-DNA position 1483, one base duplicated (T; older notation c.1483dupT).
Protein change: p.Tyr495fs; shifts the reading frame from tyrosine 495.
Molecular consequence: frameshift variant.
Genome position (GRCh38, 1-based): chr11:124,637,040, A duplicated on the plus strand (T on the coding strand, the reverse complement: SIAE is on the minus strand). VCF-style (leftmost placement, unchanged base first): chr11-124637039-T-TA. GRCh37 (hg19) VCF-style: chr11-124506935-T-TA.
Other names: c.1378dup, p.Tyr460fs (NM_001199922.2); short protein forms Y460fs, Y495fs.
Identifiers: ClinVar variation 1353579 (VCV001353579.6), dbSNP rs779900085, ClinGen allele CA6341157.